The following is an entry in ClinVar:

NM_000264.5(PTCH1):c.2370T>C (p.Phe790=)

Genes: PTCH1 (patched 1; minus strand), LOC100507346 (uncharacterized LOC100507346; plus strand). Cytogenetic location: 9q22.32.
Variant type: single nucleotide variant.
Coding change: c.2370T>C on transcript NM_000264.5 (MANE Select); coding-DNA position 2370, T replaced by C.
Protein change: p.Phe790=; no amino-acid change (phenylalanine 790 retained).
Molecular consequence: synonymous variant.
Genome position (GRCh38, 1-based): chr9:95,467,306, A>G on the plus strand (T>C on the coding strand, the complement: PTCH1 is on the minus strand). VCF-style: chr9-95467306-A-G. GRCh37 (hg19) VCF-style: chr9-98229588-A-G.
Other names: c.2172T>C, p.Phe724= (NM_001083602.3); c.2367T>C, p.Phe789= (NM_001083603.3); c.1917T>C, p.Phe639= (NM_001083604.3, NM_001083605.3, NM_001083606.3 and 1 more transcripts); c.2214T>C, p.Phe738= (NM_001354918.2).
Identifiers: ClinVar variation 453822 (VCV000453822.18), dbSNP rs1060502300, ClinGen allele CA466352001.

ClinVar aggregate classification (germline): Likely benign. Review status: criteria provided, multiple submitters, no conflicts (2 of 4 stars). 3 submissions from 3 submitters: Likely benign (2). 1 of the submissions does not count toward it. Last evaluated 2026-01-24.

Conditions:
Hereditary cancer-predisposing syndrome. Also called: Tumor predisposition; Hereditary Cancer Syndrome; Neoplastic Syndromes, Hereditary; Hereditary neoplastic syndrome. Identifiers: Orphanet 140162, MedGen C0027672, MeSH D009386, MONDO:0015356.
Gorlin syndrome. Also called: Basal cell nevus syndrome; Nevoid Basal Cell Carcinoma Syndrome. Identifiers: Orphanet 377, MedGen C0004779, MONDO:0007187.
PTCH1-related disorder. Also called: PTCH1-related disorders; PTCH1-related condition.

Allele frequency attached by ClinVar (database versions not stated): gnomAD exomes below 0.00001; TOPMed below 0.00001; gnomAD 0.00001.
gnomAD v4.1: 9 of 1,614,106 alleles (0.00056%); highest among the groups gnomAD compares: Admixed American, 0.01%; no homozygotes.

Submissions (3):

Labcorp Genetics (formerly Invitae), Labcorp
Classification: Likely benign for Gorlin syndrome. Last evaluated: 2026-01-24. Review status: criteria provided, single submitter. Criteria: Invitae Variant Classification Sherloc (09022015). Collection method: clinical testing. Allele origin: germline.

Ambry Genetics
Classification: Likely benign for Hereditary cancer-predisposing syndrome. Last evaluated: 2019-06-26. Review status: criteria provided, single submitter. Criteria: Ambry Variant Classification Scheme 2023. Collection method: clinical testing. Allele origin: germline.

PreventionGenetics, part of Exact Sciences
Classification: Likely benign for PTCH1-related condition. Last evaluated: 2021-07-13. Review status: no assertion criteria provided. Collection method: clinical testing. Allele origin: germline. Not counted in ClinVar's aggregate classification.
Comment: This variant is classified as likely benign based on ACMG/AMP sequence variant interpretation guidelines (Richards et al. 2015 PMID: 25741868, with internal and published modifications).